The following is an entry in ClinVar:

NM_003737.4(DCHS1):c.2283G>A (p.Gly761=)

Gene: DCHS1 (dachsous cadherin-related 1; minus strand). Cytogenetic location: 11p15.4.
Variant type: single nucleotide variant.
Coding change: c.2283G>A on transcript NM_003737.4 (MANE Select); coding-DNA position 2283, G replaced by A.
Protein change: p.Gly761=; no amino-acid change (glycine 761 retained).
Molecular consequence: synonymous variant.
Genome position (GRCh38, 1-based): chr11:6,633,584, C>T on the plus strand (G>A on the coding strand, the complement: DCHS1 is on the minus strand). VCF-style: chr11-6633584-C-T. GRCh37 (hg19) VCF-style: chr11-6654815-C-T.
Identifiers: ClinVar variation 3067578 (VCV003067578.21), dbSNP rs750640776, ClinGen allele CA5860755.

ClinVar aggregate classification (germline): Likely benign (1 of 4 stars; one submission).

Allele frequency attached by ClinVar (database versions not stated): ExAC 0.00002.

Submission:

CeGaT Center for Human Genetics Tuebingen
Classification: Likely benign. Last evaluated: 2024-03-01. Review status: criteria provided, single submitter. Criteria: CeGaT Center For Human Genetics Tuebingen Variant Classification Criteria Version 2. Collection method: clinical testing. Allele origin: germline. Affected: yes. Observed: 1 variant allele.
Comment: DCHS1: BP4, BP7